The following is an entry in ClinVar:

NM_001099403.2(PRDM8):c.1412G>A (p.Ser471Asn)

Gene: PRDM8 (PR/SET domain 8; plus strand). Cytogenetic location: 4q21.21.
Variant type: single nucleotide variant.
Coding change: c.1412G>A on transcript NM_001099403.2 (MANE Select); coding-DNA position 1412, G replaced by A.
Protein change: p.Ser471Asn; replaces serine 471 with asparagine.
Molecular consequence: missense variant.
Genome position (GRCh38, 1-based): chr4:80,202,874, G>A. VCF-style: chr4-80202874-G-A. GRCh37 (hg19) VCF-style: chr4-81124028-G-A.
Other names: c.1412G>A, p.Ser471Asn (NM_020226.4); short protein forms S471N.
Identifiers: ClinVar variation 542337 (VCV000542337.9), dbSNP rs575791037, ClinGen allele CA100001016.

ClinVar aggregate classification (germline): Uncertain significance (1 of 4 stars; one submission).

Conditions:
Early-onset Lafora body disease. Also called: Epilepsy, progressive myoclonic, 10. Identifiers: Orphanet 324290, MedGen C4225258, MONDO:0014717, OMIM 616640.

Allele frequency attached by ClinVar (database versions not stated): gnomAD 0.00046 and 0.00057; TOPMed 0.00052; 1000 Genomes Project 0.00100; gnomAD exomes 0.00041 and 0.00633; 1000 Genomes Project 30x 0.00156.
gnomAD v4.1: 557 of 1,274,036 alleles (0.044%); highest among the groups gnomAD compares: South Asian, 0.41%; 2 homozygotes.

Submission:

Labcorp Genetics (formerly Invitae), Labcorp
Classification: Uncertain significance for Early-onset Lafora body disease. Last evaluated: 2025-10-02. Review status: criteria provided, single submitter. Criteria: Invitae Variant Classification Sherloc (09022015). Collection method: clinical testing. Allele origin: germline.
Comment: This sequence change replaces serine, which is neutral and polar, with asparagine, which is neutral and polar, at codon 471 of the PRDM8 protein (p.Ser471Asn). This variant is present in population databases (rs575791037, gnomAD 0.4%). This variant has not been reported in the literature in individuals affected with PRDM8-related conditions. ClinVar contains an entry for this variant (Variation ID: 542337). An algorithm developed to predict the effect of missense changes on protein structure and function (PolyPhen-2) suggests that this variant is likely to be tolerated. In summary, the available evidence is currently insufficient to determine the role of this variant in disease. Therefore, it has been classified as a Variant of Uncertain Significance.